The following is an entry in ClinVar:

ClinVar aggregate classification (germline): Uncertain significance (1 of 4 stars; one submission).

Conditions:
Early-onset Parkinson disease 20. Also called: PARKINSON DISEASE 20, AUTOSOMAL RECESSIVE EARLY-ONSET. Identifiers: Orphanet 391411, MedGen C3809824, MONDO:0014233, OMIM 615530.
Developmental and epileptic encephalopathy, 53. Also called: Epileptic encephalopathy, early infantile, 53. Identifiers: MedGen C4479313, MONDO:0033362, OMIM 617389.

Allele frequency attached by ClinVar (database versions not stated): gnomAD exomes below 0.00001.
gnomAD v4.1: 2 of 1,614,004 alleles (0.00012%); highest among the groups gnomAD compares: African/African-American, 0.0013%; no homozygotes.

Submission:

Labcorp Genetics (formerly Invitae), Labcorp
Classification: Uncertain significance for Developmental and epileptic encephalopathy, 53; Early-onset Parkinson disease 20. Last evaluated: 2019-07-24. Review status: criteria provided, single submitter. Criteria: Invitae Variant Classification Sherloc (09022015). Collection method: clinical testing. Allele origin: germline.
Comment: In summary, the available evidence is currently insufficient to determine the role of this variant in disease. Therefore, it has been classified as a Variant of Uncertain Significance. Algorithms developed to predict the effect of missense changes on protein structure and function (SIFT, PolyPhen-2, Align-GVGD) all suggest that this variant is likely to be tolerated, but these predictions have not been confirmed by published functional studies and their clinical significance is uncertain. This variant has not been reported in the literature in individuals with SYNJ1-related conditions. This variant is not present in population databases (ExAC no frequency). This sequence change replaces serine with asparagine at codon 187 of the SYNJ1 protein (p.Ser187Asn). The serine residue is moderately conserved and there is a small physicochemical difference between serine and asparagine.

NM_203446.3(SYNJ1):c.443G>A (p.Ser148Asn)

Gene: SYNJ1 (synaptojanin 1; minus strand). Cytogenetic location: 21q22.11.
Variant type: single nucleotide variant.
Coding change: c.443G>A on transcript NM_203446.3 (MANE Select); coding-DNA position 443, G replaced by A.
Protein change: p.Ser148Asn; replaces serine 148 with asparagine.
Molecular consequence: missense variant.
Genome position (GRCh38, 1-based): chr21:32,699,874, C>T on the plus strand (G>A on the coding strand, the complement: SYNJ1 is on the minus strand). VCF-style: chr21-32699874-C-T. GRCh37 (hg19) VCF-style: chr21-34072184-C-T.
Other names: c.443G>A, p.Ser148Asn (NM_001160302.2, NM_001160306.2); c.560G>A, p.Ser187Asn (NM_003895.4); short protein forms S148N, S187N.
Identifiers: ClinVar variation 951273 (VCV000951273.10), dbSNP rs2042337641, ClinGen allele CA410101162.
Genomic context (GRCh38, chr21:32,699,874, plus strand): 5'-CCAAAAGGGAAAAAATGAACTCACCAGAAAAATCTATTATCAGTTGTCTGTTCTTGCATG[C>T]TACGATGCGCATTAAGACTCAAATCTAAACTGATGCCAGATGCAGACCATGCAAAATAAA-3'
Protein context (NP_982271.3, residues 138-158): SLDLSLNAHR[Ser148Asn]MQEQTTDNRF